The following is an entry in ClinVar:

NM_031844.3(HNRNPU):c.16delinsATT (p.Val6fs)

Gene: HNRNPU (heterogeneous nuclear ribonucleoprotein U; minus strand). Cytogenetic location: 1q44.
Variant type: Indel.
Coding change: c.16delinsATT on transcript NM_031844.3 (MANE Select); coding-DNA position 16, G replaced by ATT.
Protein change: p.Val6fs; shifts the reading frame from valine 6.
Molecular consequence: frameshift variant.
Genome position (GRCh38, 1-based): chr1:244,864,292, C replaced by AAT on the plus strand (G replaced by ATT on the coding strand, the reverse complement: HNRNPU is on the minus strand). VCF-style: chr1-244864292-C-AAT. GRCh37 (hg19) VCF-style: chr1-245027594-C-AAT.
Other names: c.16delinsATT, p.Val6fs (NM_004501.3); short protein forms V6fs.
Identifiers: ClinVar variation 431120 (VCV000431120.4), dbSNP rs1135401794, ClinGen allele CA645372526.

ClinVar aggregate classification (germline): Pathogenic/Likely pathogenic. Review status: criteria provided, multiple submitters, no conflicts (2 of 4 stars). 2 submissions from 2 submitters: Pathogenic (1); Likely pathogenic (1). Last evaluated 2022-12-23.

Conditions:
Developmental and epileptic encephalopathy, 54. Also called: Epileptic encephalopathy, early infantile, 54; HNRNPU-Related Neurodevelopmental Disorder. Identifiers: MedGen C4479319, MONDO:0033363, OMIM 617391.

Submissions (2):

Laboratory of Medical Genetics, University of Torino
Classification: Likely pathogenic for Developmental and epileptic encephalopathy, 54. Last evaluated: 2022-12-23. Review status: criteria provided, single submitter. Criteria: ACMG Guidelines, 2015. Collection method: clinical testing. Allele origin: de novo. Affected: yes.

Groupe Hospitalier Pitie Salpetriere, Uf Genomique Du Developpement, Assistance Publique Hopitaux de Paris Sorbonne Université
Classification: Pathogenic for Epileptic encephalopathy, early infantile, 54. Last evaluated: 2017-01-06. Review status: criteria provided, single submitter. Criteria: ACMG Guidelines, 2015. Collection method: clinical testing. Allele origin: de novo. Affected: yes. Observed: 1 variant allele.
Comment: Intellectual Disability; epilepsy; microcephaly; left ventricular hypertrophy

Literature cited by the submitters: PubMed 28708303 (cited by Groupe Hospitalier Pitie Salpetriere, Uf Genomique Du Developpement, Assistance Publique Hopitaux de Paris Sorbonne Université).